The following is an entry in ClinVar:

ClinVar aggregate classification (germline): Uncertain significance (1 of 4 stars; one submission).

Conditions:
Inborn genetic diseases. Identifiers: MedGen C0950123, MeSH D030342.

gnomAD v4.1: 2 of 1,607,198 alleles (0.00012%); highest among the groups gnomAD compares: African/African-American, 0.0027%; no homozygotes.

Submission:

Ambry Genetics
Classification: Uncertain significance for Inborn genetic diseases. Last evaluated: 2025-05-18. Review status: criteria provided, single submitter. Criteria: Ambry Variant Classification Scheme 2023. Collection method: clinical testing. Allele origin: germline.
Comment: The p.D1362E variant (also known as c.4086T>G), located in coding exon 14 of the FANCM gene, results from a T to G substitution at nucleotide position 4086. The aspartic acid at codon 1362 is replaced by glutamic acid, an amino acid with highly similar properties. This amino acid position is conserved. In addition, this alteration is predicted to be tolerated by in silico analysis. Based on the available evidence, the clinical significance of this variant remains unclear.

NM_020937.4(FANCM):c.4086T>G (p.Asp1362Glu)

Gene: FANCM (FA complementation group M; plus strand). Cytogenetic location: 14q21.2.
Variant type: single nucleotide variant.
Coding change: c.4086T>G on transcript NM_020937.4 (MANE Select); coding-DNA position 4086, T replaced by G.
Protein change: p.Asp1362Glu; replaces aspartic acid 1362 with glutamic acid.
Molecular consequence: missense variant.
Genome position (GRCh38, 1-based): chr14:45,176,840, T>G. VCF-style: chr14-45176840-T-G. GRCh37 (hg19) VCF-style: chr14-45646043-T-G.
Other names: c.4008T>G, p.Asp1336Glu (NM_001308133.2); short protein forms D1336E, D1362E.
Identifiers: ClinVar variation 4022792 (VCV004022792.1).
Genomic context (GRCh38, chr14:45,176,840, plus strand): 5'-TAAATCAAACACATTGAACTCATTTTCTAAGATAAGAAAGGAAATACTTAAGACACCAGA[T>G]TCTAGTAAGGAAAAAGTAAACCTACAAAGATTCAAAGAAGCATTGAATTCAACTTTTGAT-3'
Protein context (NP_065988.1, residues 1352-1372): KIRKEILKTP[Asp1362Glu]SSKEKVNLQR